The following is an entry in ClinVar:

NM_000327.4(ROM1):c.718G>A (p.Asp240Asn)

Gene: ROM1 (retinal outer segment membrane protein 1; plus strand). Cytogenetic location: 11q12.3.
Variant type: single nucleotide variant.
Coding change: c.718G>A on transcript NM_000327.4 (MANE Select); coding-DNA position 718, G replaced by A.
Protein change: p.Asp240Asn; replaces aspartic acid 240 with asparagine.
Molecular consequence: missense variant.
Genome position (GRCh38, 1-based): chr11:62,614,385, G>A. VCF-style: chr11-62614385-G-A. GRCh37 (hg19) VCF-style: chr11-62381857-G-A.
Other names: c.718G>A (NM_000327.3); short protein forms D240N.
Identifiers: ClinVar variation 1485209 (VCV001485209.7), dbSNP rs764120836, ClinGen allele CA6049823.

ClinVar aggregate classification (germline): Uncertain significance. Review status: criteria provided, multiple submitters, no conflicts (2 of 4 stars). 2 submissions from 2 submitters: Uncertain significance (2). Last evaluated 2025-03-11.

Allele frequency attached by ClinVar (database versions not stated): gnomAD 0.00001; gnomAD exomes 0.00002; ExAC 0.00003; TOPMed 0.00003.

Submissions (2):

Ambry Genetics
Classification: Uncertain significance. Last evaluated: 2025-03-11. Review status: criteria provided, single submitter. Criteria: Ambry Variant Classification Scheme 2023. Collection method: clinical testing. Allele origin: germline.

Labcorp Genetics (formerly Invitae), Labcorp
Classification: Uncertain significance. Last evaluated: 2024-08-21. Review status: criteria provided, single submitter. Criteria: Invitae Variant Classification Sherloc (09022015). Collection method: clinical testing. Allele origin: germline.
Comment: This sequence change replaces aspartic acid, which is acidic and polar, with asparagine, which is neutral and polar, at codon 240 of the ROM1 protein (p.Asp240Asn). This variant is present in population databases (rs764120836, gnomAD 0.004%). This variant has not been reported in the literature in individuals affected with ROM1-related conditions. ClinVar contains an entry for this variant (Variation ID: 1485209). Invitae Evidence Modeling of protein sequence and biophysical properties (such as structural, functional, and spatial information, amino acid conservation, physicochemical variation, residue mobility, and thermodynamic stability) indicates that this missense variant is not expected to disrupt ROM1 protein function with a negative predictive value of 80%. In summary, the available evidence is currently insufficient to determine the role of this variant in disease. Therefore, it has been classified as a Variant of Uncertain Significance.